The following is an entry in ClinVar:

ClinVar aggregate classification (germline): Likely benign (1 of 4 stars; one submission).

Submission:

CeGaT Center for Human Genetics Tuebingen
Classification: Likely benign. Last evaluated: 2023-03-01. Review status: criteria provided, single submitter. Criteria: CeGaT Center For Human Genetics Tuebingen Variant Classification Criteria Version 2. Collection method: clinical testing. Allele origin: germline. Affected: yes. Observed: 1 variant allele.
Comment: IGSF5: BS2

NM_001080444.2(IGSF5):c.859TGC[6] (p.Cys290_Arg291insCysCys)

Genes: IGSF5 (immunoglobulin superfamily member 5; plus strand), LOC126653374 (CDK7 strongly-dependent group 2 enhancer GRCh37_chr21:41150548-41151747; plus strand). Cytogenetic location: 21q22.2.
Variant type: Microsatellite.
Coding change: c.859TGC[6] on transcript NM_001080444.2 (MANE Select); six copies in a row of the 3-base unit TGC starting at c.859; the reference has four copies in a row; two copies, 6 bases duplicated.
Protein change: p.Cys290_Arg291insCysCys.
Molecular consequence: inframe insertion.
Genome position (GRCh38, 1-based): chr21:39,779,236-39,779,241, TGCTGC duplicated; duplicating any 6 consecutive bases within chr21:39,779,228-39,779,241 gives the same sequence; the position shown is the placement nearest the transcript's 3' end. VCF-style (leftmost placement, unchanged base first): chr21-39779227-C-CGCTGCT. GRCh37 (hg19) VCF-style: chr21-41151154-C-CGCTGCT.
Identifiers: ClinVar variation 2652668 (VCV002652668.24), dbSNP rs530090000, ClinGen allele CA10029852.
Genomic context (GRCh38, chr21:39,779,227, plus strand): 5'-AAAGTTGGACTTGGACTAGCAGGCACCATGCTTCTGACGCCGACGTGTACTCTTACAATA[C>CGCTGCT]GCTGCTGCTGCTGCCGCCGTCGTTGTTGTGGCTGCAACTGCTGCTGCCGTTGTTGTTTCT-3'